The following is an entry in ClinVar:

NM_015139.3(SLC35D1):c.157T>G (p.Ser53Ala)

Gene: SLC35D1 (solute carrier family 35 member D1; minus strand). Cytogenetic location: 1p31.3.
Variant type: single nucleotide variant.
Coding change: c.157T>G on transcript NM_015139.3 (MANE Select); coding-DNA position 157, T replaced by G.
Protein change: p.Ser53Ala; replaces serine 53 with alanine.
Molecular consequence: missense variant.
Genome position (GRCh38, 1-based): chr1:67,053,857, A>C on the plus strand (T>G on the coding strand, the complement: SLC35D1 is on the minus strand). VCF-style: chr1-67053857-A-C. GRCh37 (hg19) VCF-style: chr1-67519540-A-C.
Other names: short protein forms S53A.
Identifiers: ClinVar variation 2781334 (VCV002781334.3), dbSNP rs940923248, ClinGen allele CA24011195.

ClinVar aggregate classification (germline): Uncertain significance (1 of 4 stars; one submission).

Conditions:
Schneckenbecken dysplasia. Identifiers: Orphanet 3144, MedGen C0432194, MONDO:0010013, OMIM 269250.

Allele frequency attached by ClinVar (database versions not stated): gnomAD exomes below 0.00001; gnomAD 0.00001; TOPMed 0.00002.
gnomAD v4.1: 2 of 1,613,238 alleles (0.00012%); highest among the groups gnomAD compares: Non-Finnish European, 0.00017%; no homozygotes.

Submission:

Labcorp Genetics (formerly Invitae), Labcorp
Classification: Uncertain significance for Schneckenbecken dysplasia. Last evaluated: 2023-06-23. Review status: criteria provided, single submitter. Criteria: Invitae Variant Classification Sherloc (09022015). Collection method: clinical testing. Allele origin: germline.
Comment: In summary, the available evidence is currently insufficient to determine the role of this variant in disease. Therefore, it has been classified as a Variant of Uncertain Significance. Advanced modeling of protein sequence and biophysical properties (such as structural, functional, and spatial information, amino acid conservation, physicochemical variation, residue mobility, and thermodynamic stability) performed at Invitae indicates that this missense variant is not expected to disrupt SLC35D1 protein function. This variant has not been reported in the literature in individuals affected with SLC35D1-related conditions. This variant is not present in population databases (gnomAD no frequency). This sequence change replaces serine, which is neutral and polar, with alanine, which is neutral and non-polar, at codon 53 of the SLC35D1 protein (p.Ser53Ala).